The following is an entry in ClinVar:

ClinVar aggregate classification (germline): Uncertain significance (1 of 4 stars; one submission).

Submission:

Labcorp Genetics (formerly Invitae), Labcorp
Classification: Uncertain significance. Last evaluated: 2020-02-02. Review status: criteria provided, single submitter. Criteria: Invitae Variant Classification Sherloc (09022015). Collection method: clinical testing. Allele origin: germline.
Comment: In summary, the available evidence is currently insufficient to determine the role of this variant in disease. Therefore, it has been classified as a Variant of Uncertain Significance. Experimental studies and prediction algorithms are not available or were not evaluated, and the functional significance of this variant is currently unknown. This variant has not been reported in the literature in individuals with RBP3-related conditions. This variant is not present in population databases (ExAC no frequency). This variant, c.412_414del, results in the deletion of 1 amino acid(s) of the RBP3 protein (p.Val138del), but otherwise preserves the integrity of the reading frame.

NM_002900.3(RBP3):c.412_414del (p.Val138del)

Gene: RBP3 (retinol binding protein 3; plus strand). Cytogenetic location: 10q11.22.
Variant type: Deletion.
Coding change: c.412_414del on transcript NM_002900.3 (MANE Select); coding-DNA positions 412 to 414, 3 bases deleted (GTC; older notation c.412_414delGTC).
Protein change: p.Val138del; deletes valine 138.
Molecular consequence: inframe deletion.
Genome position (GRCh38, 1-based): chr10:47,348,896-47,348,898, GTC deleted; deleting any 3 consecutive bases within chr10:47,348,895-47,348,898 gives the same sequence; the c. name uses the placement nearest the transcript's 3' end. VCF-style (leftmost placement, unchanged base first): chr10-47348894-GCGT-G. GRCh37 (hg19) VCF-style: chr10-48390463-GGAC-G.
Other names: short protein forms V138del.
Identifiers: ClinVar variation 1020854 (VCV001020854.8), dbSNP rs1555210920, ClinGen allele CA593487651.
Genomic context (GRCh38, chr10:47,348,894, plus strand): 5'-TGCAAAGGGGCCTCCGCCATGAGGTTCTGGAGGGTAATGTGGGCTACCTGCGGGTGGACA[GCGT>G]CCCGGGCCAGGAGGTGCTGAGCATGATGGGGGAGTTCCTGGTGGCCCACGTGTGGGGGAA-3'